The following is an entry in ClinVar:

ClinVar aggregate classification (germline): Uncertain significance. Review status: criteria provided, single submitter (1 of 4 stars). 2 submissions from 2 submitters: Uncertain significance (1). 1 of the submissions does not count toward it. Last evaluated 2025-10-24.

Conditions:
ERBIN-related disorder. Also called: ERBIN-related condition.

Allele frequency attached by ClinVar (database versions not stated): ExAC 0.00008; ESP Exome Variant Server 0.00008; gnomAD exomes 0.00009.
gnomAD v4.1: 89 of 1,594,974 alleles (0.0056%); highest among the groups gnomAD compares: Non-Finnish European, 0.0013%; no homozygotes.

Submissions (2):

Labcorp Genetics (formerly Invitae), Labcorp
Classification: Uncertain significance. Last evaluated: 2025-10-24. Review status: criteria provided, single submitter. Criteria: Invitae Variant Classification Sherloc (09022015). Collection method: clinical testing. Allele origin: germline.
Comment: This sequence change replaces glutamine, which is neutral and polar, with leucine, which is neutral and non-polar, at codon 320 of the ERBIN protein (p.Gln320Leu). This variant is present in population databases (rs201928607, gnomAD 0.2%), and has an allele count higher than expected for a pathogenic variant. This variant has not been reported in the literature in individuals affected with ERBIN-related conditions. ClinVar contains an entry for this variant (Variation ID: 1439145). An algorithm developed to predict the effect of missense changes on protein structure and function (PolyPhen-2) suggests that this variant is likely to be disruptive. In summary, the available evidence is currently insufficient to determine the role of this variant in disease. Therefore, it has been classified as a Variant of Uncertain Significance.

PreventionGenetics, part of Exact Sciences
Classification: Likely benign for ERBIN-related condition. Last evaluated: 2024-01-23. Review status: no assertion criteria provided. Collection method: clinical testing. Allele origin: germline. Not counted in ClinVar's aggregate classification.
Comment: This variant is classified as likely benign based on ACMG/AMP sequence variant interpretation guidelines (Richards et al. 2015 PMID: 25741868, with internal and published modifications).

NM_001253697.2(ERBIN):c.959A>T (p.Gln320Leu)

Gene: ERBIN (erbb2 interacting protein; plus strand). Cytogenetic location: 5q12.3.
Variant type: single nucleotide variant.
Coding change: c.959A>T on transcript NM_001253697.2 (MANE Select); coding-DNA position 959, A replaced by T.
Protein change: p.Gln320Leu; replaces glutamine 320 with leucine.
Molecular consequence: missense variant.
Genome position (GRCh38, 1-based): chr5:66,025,916, A>T. VCF-style: chr5-66025916-A-T. GRCh37 (hg19) VCF-style: chr5-65321744-A-T.
Other names: c.959A>T, p.Gln320Leu (NM_001006600.3, NM_001253698.2, NM_001253699.2 and 2 more transcripts); c.959A>T (NM_001006600.2); short protein forms Q320L.
Identifiers: ClinVar variation 1439145 (VCV001439145.8), dbSNP rs201928607, ClinGen allele CA3286108.